The following is an entry in ClinVar:

NM_004036.5(ADCY3):c.328G>A (p.Val110Met)

Gene: ADCY3 (adenylate cyclase 3; minus strand). Cytogenetic location: 2p23.3.
Variant type: single nucleotide variant.
Coding change: c.328G>A on transcript NM_004036.5 (MANE Select); coding-DNA position 328, G replaced by A.
Protein change: p.Val110Met; replaces valine 110 with methionine.
Molecular consequence: missense variant.
Genome position (GRCh38, 1-based): chr2:24,918,660, C>T on the plus strand (G>A on the coding strand, the complement: ADCY3 is on the minus strand). VCF-style: chr2-24918660-C-T. GRCh37 (hg19) VCF-style: chr2-25141529-C-T.
Other names: c.328G>A (NM_001320613.1); c.328G>A, p.Val110Met (NM_001320613.2, NM_001377128.1, NM_001377129.1 and 2 more transcripts); short protein forms V110M.
Identifiers: ClinVar variation 2706553 (VCV002706553.6), dbSNP rs150240925, ClinGen allele CA1554535.

ClinVar aggregate classification (germline): Conflicting classifications of pathogenicity. Review status: criteria provided, conflicting classifications (1 of 4 stars). 3 submissions from 3 submitters: Uncertain significance (1); Likely benign (1). 1 of the submissions does not count toward it. Last evaluated 2026-01-20.

Conditions:
ADCY3-related disorder. Also called: ADCY3-related condition.

Allele frequency attached by ClinVar (database versions not stated): TOPMed 0.00025; gnomAD 0.00050; gnomAD exomes 0.00060; ESP Exome Variant Server 0.00069; ExAC 0.00112.
gnomAD v4.1: 937 of 1,613,962 alleles (0.058%); highest among the groups gnomAD compares: South Asian, 0.1%; 1 homozygote.

Submissions (3):

Labcorp Genetics (formerly Invitae), Labcorp
Classification: Likely benign. Last evaluated: 2026-01-20. Review status: criteria provided, single submitter. Criteria: Invitae Variant Classification Sherloc (09022015). Collection method: clinical testing. Allele origin: germline.

Blueprint Genetics
Classification: Uncertain significance. Last evaluated: 2024-03-02. Review status: criteria provided, single submitter. Criteria: ACMG Guidelines, 2015. Collection method: clinical testing. Allele origin: germline.

PreventionGenetics, part of Exact Sciences
Classification: Likely benign for ADCY3-related condition. Last evaluated: 2022-04-06. Review status: no assertion criteria provided. Collection method: clinical testing. Allele origin: germline. Not counted in ClinVar's aggregate classification.
Comment: This variant is classified as likely benign based on ACMG/AMP sequence variant interpretation guidelines (Richards et al. 2015 PMID: 25741868, with internal and published modifications).